The following is an entry in ClinVar:

NM_003597.5(KLF11):c.1384C>T (p.Arg462Cys)

Gene: KLF11 (KLF transcription factor 11; plus strand). Cytogenetic location: 2p25.1.
Variant type: single nucleotide variant.
Coding change: c.1384C>T on transcript NM_003597.5 (MANE Select); coding-DNA position 1384, C replaced by T.
Protein change: p.Arg462Cys; replaces arginine 462 with cysteine.
Molecular consequence: missense variant.
Genome position (GRCh38, 1-based): chr2:10,052,352, C>T. VCF-style: chr2-10052352-C-T. GRCh37 (hg19) VCF-style: chr2-10192479-C-T.
Other names: c.1333C>T, p.Arg445Cys (NM_001177716.2, NM_001177718.2); short protein forms R445C, R462C.
Identifiers: ClinVar variation 4693248 (VCV004693248.1).

ClinVar aggregate classification (germline): Uncertain significance (1 of 4 stars; one submission).

gnomAD v4.1: 8 of 1,613,992 alleles (0.0005%); highest among the groups gnomAD compares: African/African-American, 0.0027%; no homozygotes.

Submission:

Labcorp Genetics (formerly Invitae), Labcorp
Classification: Uncertain significance. Last evaluated: 2025-12-26. Review status: criteria provided, single submitter. Criteria: Invitae Variant Classification Sherloc (09022015). Collection method: clinical testing. Allele origin: germline.
Comment: This sequence change replaces arginine, which is basic and polar, with cysteine, which is neutral and slightly polar, at codon 462 of the KLF11 protein (p.Arg462Cys). This variant is present in population databases (rs753566657, gnomAD 0.007%). This variant has not been reported in the literature in individuals affected with KLF11-related conditions. An algorithm developed to predict the effect of missense changes on protein structure and function (PolyPhen-2) suggests that this variant is likely to be disruptive. In summary, the available evidence is currently insufficient to determine the role of this variant in disease. Therefore, it has been classified as a Variant of Uncertain Significance.